The following is an entry in ClinVar:

NM_001005242.3(PKP2):c.940G>A (p.Gly314Arg)

Gene: PKP2 (plakophilin 2; minus strand). Cytogenetic location: 12p11.21.
Variant type: single nucleotide variant.
Coding change: c.940G>A on transcript NM_001005242.3 (MANE Select); coding-DNA position 940, G replaced by A.
Protein change: p.Gly314Arg; replaces glycine 314 with arginine.
Molecular consequence: missense variant.
Genome position (GRCh38, 1-based): chr12:32,877,940, C>T on the plus strand (G>A on the coding strand, the complement: PKP2 is on the minus strand). VCF-style: chr12-32877940-C-T. GRCh37 (hg19) VCF-style: chr12-33030874-C-T.
Other names: p.Gly314Arg; c.940G>A, p.Gly314Arg (NM_004572.4); short protein forms G314R.
Identifiers: ClinVar variation 956670 (VCV000956670.15), dbSNP rs551812289, ClinGen allele CA039517.

ClinVar aggregate classification (germline): Conflicting classifications of pathogenicity. Review status: criteria provided, conflicting classifications (1 of 4 stars). 6 submissions from 6 submitters: Uncertain significance (5); Likely benign (1). Last evaluated 2026-03-06.

Conditions:
Arrhythmogenic right ventricular dysplasia 9 (ARVD9). Also called: ARRHYTHMOGENIC RIGHT VENTRICULAR DYSPLASIA, FAMILIAL, 9; Arrhythmogenic Right Ventricular Dysplasia/Cardiomyopathy 9. Identifiers: MedGen C1836906, MONDO:0012180, OMIM 609040.
Arrhythmogenic right ventricular cardiomyopathy (ARVD). Also called: Arrhythmogenic right ventricular dysplasia; Cardiomyopathy, ARVC; Arrhythmogenic cardiomyopathy; Arrhythmogenic Right Ventricular Cardiomyopathy (ARVC). Identifiers: Orphanet 247, MedGen C0349788, MeSH D019571, MONDO:0016587. Disease mechanism: loss of function. Inheritance: Various modes of inheritance.
Cardiomyopathy (CMYO). Also called: Cardiomyopathies. Identifiers: Orphanet 167848, MedGen C0878544, MONDO:0004994, HP:0001638. Inheritance: Various modes of inheritance.

Allele frequency attached by ClinVar (database versions not stated): gnomAD 0.00001; TOPMed 0.00001; gnomAD exomes 0.00003; ExAC 0.00004; 1000 Genomes Project 0.00020; 1000 Genomes Project 30x 0.00031.
gnomAD v4.1: 39 of 1,614,178 alleles (0.0024%); highest among the groups gnomAD compares: Admixed American, 0.012%; 1 homozygote.

Submissions (6):

Dasa
Classification: Uncertain significance. Last evaluated: 2026-03-06. Review status: criteria provided, single submitter. Criteria: DASA Assertion Criteria. Collection method: clinical testing. Allele origin: germline.
Comment: NM_001005242.3(PKP2):c.940G>A (p.Gly314Arg) is a missense variant that results in the substitution of glycine with arginine. This variant is rare in population databases. The currently available literature and clinical evidence are not sufficient to establish a definitive association between this variant and the reported condition. Therefore, this variant is classified as a variant of uncertain significance.

Labcorp Genetics (formerly Invitae), Labcorp
Classification: Uncertain significance for Arrhythmogenic right ventricular dysplasia 9. Last evaluated: 2026-01-28. Review status: criteria provided, single submitter. Criteria: Invitae Variant Classification Sherloc (09022015). Collection method: clinical testing. Allele origin: germline.
Comment: This sequence change replaces glycine, which is neutral and non-polar, with arginine, which is basic and polar, at codon 314 of the PKP2 protein (p.Gly314Arg). This variant is present in population databases (rs551812289, gnomAD 0.02%). This missense change has been observed in individual(s) with dilated cardiomyopathy (PMID: 29386531, 34924461). ClinVar contains an entry for this variant (Variation ID: 956670). An algorithm developed to predict the effect of missense changes on protein structure and function (PolyPhen-2) suggests that this variant is likely to be disruptive. In summary, the available evidence is currently insufficient to determine the role of this variant in disease. Therefore, it has been classified as a Variant of Uncertain Significance.

Mayo Clinic Laboratories, Mayo Clinic
Classification: Uncertain significance. Last evaluated: 2025-09-29. Review status: criteria provided, single submitter. Criteria: ACMG Guidelines, 2015. Collection method: clinical testing. Allele origin: germline. Observed: 1 variant allele.
Comment: BP4

All of Us Research Program, National Institutes of Health
Classification: Uncertain significance for Arrhythmogenic right ventricular cardiomyopathy. Last evaluated: 2024-08-06. Review status: criteria provided, single submitter. Criteria: ACMG Guidelines, 2015. Collection method: clinical testing. Allele origin: germline. Inheritance: Autosomal dominant inheritance. Observed: 8 variant alleles, 8 heterozygotes.
Comment: This missense variant replaces glycine with arginine at codon 314 of the PKP2 protein. Computational prediction suggests that this variant may not impact protein structure and function (internally defined REVEL score threshold <= 0.5, PMID: 27666373). To our knowledge, functional studies have not been reported for this variant. This variant has been reported in two unrelated individuals affected with dilated cardiomyopathy (PMID: 29386531, 34924461). One of these individuals also carried a pathogenic variant in the PLN gene, which could explain the observed phenotype (PMID: 34924461). This variant has also been identified in 13/250972 chromosomes in the general population by the Genome Aggregation Database (gnomAD). The available evidence is insufficient to determine the role of this variant in disease conclusively. Therefore, this variant is classified as a Variant of Uncertain Significance.

This study involves interpretation of variants in research participants for the purpose of population health screening. Participant phenotype was not available at the time of variant classification. Additional details can be found in publication PMID: 35346344, PMCID: PMC8962531

Color Diagnostics, LLC DBA Color Health
Classification: Uncertain significance for Cardiomyopathy. Last evaluated: 2024-04-17. Review status: criteria provided, single submitter. Criteria: ACMG Guidelines, 2015. Collection method: clinical testing. Allele origin: germline.
Comment: This missense variant replaces glycine with arginine at codon 314 of the PKP2 protein. Computational prediction suggests that this variant may not impact protein structure and function (internally defined REVEL score threshold <= 0.5, PMID: 27666373). To our knowledge, functional studies have not been reported for this variant. This variant has been reported in two unrelated individuals affected with dilated cardiomyopathy (PMID: 29386531, 34924461). One of these individuals also carried a pathogenic variant in the PLN gene, which could explain the observed phenotype (PMID: 34924461). This variant has also been identified in 13/250972 chromosomes in the general population by the Genome Aggregation Database (gnomAD). The available evidence is insufficient to determine the role of this variant in disease conclusively. Therefore, this variant is classified as a Variant of Uncertain Significance.

Blueprint Genetics
Classification: Likely benign. Last evaluated: 2021-10-25. Review status: criteria provided, single submitter. Criteria: ACMG Guidelines, 2015. Collection method: clinical testing. Allele origin: germline.

Literature cited by the submitters: PubMed 29386531 (cited by 4 submitters); PubMed 34924461 (cited by 4 submitters).